The following is an entry in ClinVar:

ClinVar aggregate classification (germline): Likely benign. Review status: criteria provided, multiple submitters, no conflicts (2 of 4 stars). 4 submissions from 4 submitters: Likely benign (4). Last evaluated 2024-10-05.

Conditions:
Familial thoracic aortic aneurysm and aortic dissection (TAAD). Also called: Thoracic aortic aneurysms and dissections. Identifiers: Orphanet 91387, MedGen C4707243, MONDO:0019625.
Diabetic retinopathy. Identifiers: MedGen C0011884, MONDO:0005266.

gnomAD v4.1: 1 of 1,595,672 alleles (0.000063%); highest among the groups gnomAD compares: Non-Finnish European, 0.000085%; no homozygotes.

Submissions (4):

Labcorp Genetics (formerly Invitae), Labcorp
Classification: Likely benign for Familial thoracic aortic aneurysm and aortic dissection. Last evaluated: 2024-10-05. Review status: criteria provided, single submitter. Criteria: Invitae Variant Classification Sherloc (09022015). Collection method: clinical testing. Allele origin: germline.

Color Diagnostics, LLC DBA Color Health
Classification: Likely benign for Familial thoracic aortic aneurysm and aortic dissection. Last evaluated: 2024-08-19. Review status: criteria provided, single submitter. Criteria: ACMG Guidelines, 2015. Collection method: clinical testing. Allele origin: germline.

CeGaT Center for Human Genetics Tuebingen
Classification: Likely benign. Last evaluated: 2019-07-01. Review status: criteria provided, single submitter. Criteria: CeGaT Center For Human Genetics Tuebingen Variant Classification Criteria Version 2. Collection method: clinical testing. Allele origin: germline. Affected: yes. Observed: 1 variant allele.

Clinical Genomics, Uppaluri K&H Personalized Medicine Clinic
Classification: Likely benign for Diabetic retinopathy. Review status: criteria provided, single submitter. Criteria: K And H Uppaluri Personalized Medicine Clinic Variant Classification And Assertion Criteria Updated V 2. Collection method: research. Allele origin: unknown.
Comment: Potent mutations in TGFBR2 gene encodes the transforming growth factor that have been associated with angiogenesis and diabetic retinopathy. More clinical studies are needed for stronger association. However, more evidence is required to confer the association of this particular variant rs1575125895 with diabetic retinopathy.

Literature cited by the submitters: PubMed 30222965 (cited by Clinical Genomics, Uppaluri K&H Personalized Medicine Clinic); PubMed 28162229 (cited by Clinical Genomics, Uppaluri K&H Personalized Medicine Clinic); PubMed 34572573 (cited by Clinical Genomics, Uppaluri K&H Personalized Medicine Clinic).

NM_003242.6(TGFBR2):c.33G>T (p.Pro11=)

Gene: TGFBR2 (transforming growth factor beta receptor 2; plus strand). Cytogenetic location: 3p24.1.
Variant type: single nucleotide variant.
Coding change: c.33G>T on transcript NM_003242.6 (MANE Select); coding-DNA position 33, G replaced by T.
Protein change: p.Pro11=; no amino-acid change (proline 11 retained).
Molecular consequence: synonymous variant. On other transcripts: 5 prime UTR variant (4), intron variant (2).
Genome position (GRCh38, 1-based): chr3:30,606,916, G>T. VCF-style: chr3-30606916-G-T. GRCh37 (hg19) VCF-style: chr3-30648408-G-T.
Other names: c.33G>T, p.Pro11= (NM_001024847.3, NM_001407126.1, NM_001407127.1 and 4 more transcripts); c.-251G>T (NM_001407133.1); c.-129G>T (NM_001407134.1); c.-176G>T (NM_001407135.1); c.-261G>T (NM_001407136.1); c.-12+323G>T (NM_001407129.1, NM_001407132.1).
Identifiers: ClinVar variation 809440 (VCV000809440.51), dbSNP rs1575125895, ClinGen allele CA433009971.